The following is an entry in ClinVar:

ClinVar aggregate classification (germline): Benign. Review status: criteria provided, multiple submitters, no conflicts (2 of 4 stars). 2 submissions from 2 submitters: Benign (2). Last evaluated 2018-01-13.

Conditions:
Hereditary spastic paraplegia 10 (SPG10). Also called: SPASTIC PARAPLEGIA 10, AUTOSOMAL DOMINANT; SPASTIC PARAPLEGIA 10 WITH OR WITHOUT PERIPHERAL NEUROPATHY; SPASTIC PARAPLEGIA 10 WITH PERIPHERAL NEUROPATHY. Identifiers: Orphanet 100991, MedGen C1858712, MONDO:0011408, OMIM 604187.

Allele frequency attached by ClinVar (database versions not stated): 1000 Genomes Project 0.02416; 1000 Genomes Project 30x 0.02514; gnomAD 0.02529 and 0.02715; TOPMed 0.02865.

Submissions (2):

Illumina Laboratory Services, Illumina
Classification: Benign for Hereditary spastic paraplegia 10. Last evaluated: 2018-01-13. Review status: criteria provided, single submitter. Criteria: ICSL Variant Classification Criteria 13 December 2019. Collection method: clinical testing. Allele origin: germline.
Comment: This variant was observed in the ICSL laboratory as part of a predisposition screen in an ostensibly healthy population. It had not been previously curated by ICSL or reported in the Human Gene Mutation Database (HGMD: prior to June 1st, 2018), and was therefore a candidate for classification through an automated scoring system. Utilizing variant allele frequency, disease prevalence and penetrance estimates, and inheritance mode, an automated score was calculated to assess if this variant is too frequent to cause the disease. Based on the score and internal cut-off values, a variant classified as benign is not then subjected to further curation. The score for this variant resulted in a classification of benign for this disease.

Breakthrough Genomics
Classification: Benign. Review status: criteria provided, single submitter. Criteria: ACMG Guidelines, 2015. Collection method: not provided. Allele origin: germline. Inheritance: Autosomal dominant inheritance. Affected: yes.

NM_004984.4(KIF5A):c.*163C>T

Gene: KIF5A (kinesin family member 5A; plus strand). Cytogenetic location: 12q13.3.
Variant type: single nucleotide variant.
Coding change: c.*163C>T on transcript NM_004984.4 (MANE Select); 163 bases downstream of the stop codon, C replaced by T.
Molecular consequence: 3 prime UTR variant.
Genome position (GRCh38, 1-based): chr12:57,584,344, C>T. VCF-style: chr12-57584344-C-T. GRCh37 (hg19) VCF-style: chr12-57978127-C-T.
Other names: c.*163C>T (NM_001354705.2).
Identifiers: ClinVar variation 309954 (VCV000309954.6), dbSNP rs77345621, ClinGen allele CA10633342.